The following is an entry in ClinVar:

NM_015656.2(KIF26A):c.3354C>T (p.Ser1118=)

Gene: KIF26A (kinesin family member 26A; plus strand). Cytogenetic location: 14q32.33.
Variant type: single nucleotide variant.
Coding change: c.3354C>T on transcript NM_015656.2 (MANE Select); coding-DNA position 3354, C replaced by T.
Protein change: p.Ser1118=; no amino-acid change (serine 1118 retained).
Molecular consequence: synonymous variant.
Genome position (GRCh38, 1-based): chr14:104,176,142, C>T. VCF-style: chr14-104176142-C-T. GRCh37 (hg19) VCF-style: chr14-104642479-C-T.
Identifiers: ClinVar variation 3771075 (VCV003771075.13).

ClinVar aggregate classification (germline): Likely benign (1 of 4 stars; one submission).

gnomAD v4.1: 1,089 of 1,583,726 alleles (0.069%); highest among the groups gnomAD compares: African/African-American, 0.3%; 1 homozygote.

Submission:

CeGaT Center for Human Genetics Tuebingen
Classification: Likely benign. Last evaluated: 2025-01-01. Review status: criteria provided, single submitter. Criteria: CeGaT Center For Human Genetics Tuebingen Variant Classification Criteria Version 2. Collection method: clinical testing. Allele origin: germline. Affected: yes. Observed: 1 variant allele.
Comment: KIF26A: BP4, BP7